The following is an entry in ClinVar:

NM_000277.3(PAH):c.913-2A>G

Gene: PAH (phenylalanine hydroxylase; minus strand). Cytogenetic location: 12q23.2.
Variant type: single nucleotide variant.
Coding change: c.913-2A>G on transcript NM_000277.3 (MANE Select); the canonical splice acceptor site of the intron before coding-DNA position 913, A replaced by G.
Molecular consequence: splice acceptor variant.
Genome position (GRCh38, 1-based): chr12:102,846,953, T>C on the plus strand (A>G on the coding strand, the complement: PAH is on the minus strand). VCF-style: chr12-102846953-T-C. GRCh37 (hg19) VCF-style: chr12-103240731-T-C.
Other names: c.913-2A>G (NM_001354304.2).
Identifiers: ClinVar variation 842394 (VCV000842394.9), dbSNP rs1555203951, ClinGen allele CA16020896.

ClinVar aggregate classification (germline): Pathogenic. Review status: reviewed by expert panel (3 of 4 stars). 2 submissions from 2 submitters: Pathogenic (1). 1 of the submissions does not count toward it. Last evaluated 2020-05-15.

Conditions:
Phenylketonuria (PKU). Also called: FOLLING DISEASE; Phenylketonuria (PKU); OLIGOPHRENIA PHENYLPYRUVICA; Phenylketonurias. Identifiers: Orphanet 716, MedGen C0031485, MONDO:0009861, OMIM 261600. Disease mechanism: loss of function.

Allele frequency attached by ClinVar (database versions not stated): gnomAD exomes below 0.00001; TOPMed below 0.00001.
gnomAD v4.1: 1 of 1,612,304 alleles (0.000062%); highest among the groups gnomAD compares: Non-Finnish European, 0.000085%; no homozygotes.

Submissions (2):

ClinGen PAH Variant Curation Expert Panel
Classification: Pathogenic for Phenylketonuria. Last evaluated: 2020-05-15. Review status: reviewed by expert panel. Criteria: ClinGen PAH ACMG Specifications v1. Collection method: curation. Allele origin: germline. Inheritance: Autosomal recessive inheritance.
Comment: The c.913-2A>G variant in PAH is a canonical splice-site variant predicted to lead to skipping of exon 9 (PVS1_Strong). It is absent from ethnically diverse control databases, including gnomAD/ExAC, 1000 Genomes, and ESP (PM2). It has been reported in the published literature twice: in one proband with abnormal blood Phe levels and BH4 deficiency excluded by urinary pterin analysis (PMID: 19394257), but no further information provided; and in three probands with abnormal blood Phe levels and BH4 deficiency excluded by urinary pterin analysis (PMID: 22526846), in confirmed trans with the known pathogenic p.R408Q mutation (Pathogenic per PAH VCEP), the known pathogenic p.R158Q mutation (Pathogenic per PAH VCEP), and the known pathogenic IVS12+1G>A mutation (Pathogenic per PAH VCEP) (PP4_Moderate) (3 points total; PM3_Strong). It is also classified Pathogenic by one lab in ClinVar (variant ID 842394). Classification: Pathogenic Supporting Criteria: PVS1_Strong; PM3_Strong; PM2; PP4_Moderate

Labcorp Genetics (formerly Invitae), Labcorp
Classification: Pathogenic for Phenylketonuria. Last evaluated: 2023-10-09. Review status: criteria provided, single submitter. Criteria: Invitae Variant Classification Sherloc (09022015). Collection method: clinical testing. Allele origin: germline. Not counted in ClinVar's aggregate classification.
Comment: This sequence change affects an acceptor splice site in intron 8 of the PAH gene. It is expected to disrupt RNA splicing. Variants that disrupt the donor or acceptor splice site typically lead to a loss of protein function (PMID: 16199547), and loss-of-function variants in PAH are known to be pathogenic (PMID: 1301187, 9634518). This variant is not present in population databases (gnomAD no frequency). Disruption of this splice site has been observed in individual(s) with phenylketonuria (PMID: 22526846). This variant is also known as IVS8-2A>G. ClinVar contains an entry for this variant (Variation ID: 842394). Algorithms developed to predict the effect of sequence changes on RNA splicing suggest that this variant may disrupt the consensus splice site. For these reasons, this variant has been classified as Pathogenic.

Literature cited by the submitters: PubMed 16199547 (cited by Labcorp Genetics (formerly Invitae), Labcorp); PubMed 1301187 (cited by Labcorp Genetics (formerly Invitae), Labcorp); PubMed 9634518 (cited by Labcorp Genetics (formerly Invitae), Labcorp); PubMed 22526846 (cited by Labcorp Genetics (formerly Invitae), Labcorp).